The following is an entry in ClinVar:

ClinVar aggregate classification (germline): Uncertain significance (1 of 4 stars; one submission).

Allele frequency attached by ClinVar (database versions not stated): gnomAD exomes below 0.00001.
gnomAD v4.1: 1 of 1,614,136 alleles (0.000062%); highest among the groups gnomAD compares: Non-Finnish European, 0.000085%; no homozygotes.

Submission:

Labcorp Genetics (formerly Invitae), Labcorp
Classification: Uncertain significance. Last evaluated: 2022-01-26. Review status: criteria provided, single submitter. Criteria: Invitae Variant Classification Sherloc (09022015). Collection method: clinical testing. Allele origin: germline.
Comment: This sequence change replaces threonine, which is neutral and polar, with isoleucine, which is neutral and non-polar, at codon 3214 of the DNAH9 protein (p.Thr3214Ile). This variant is not present in population databases (gnomAD no frequency). This variant has not been reported in the literature in individuals affected with DNAH9-related conditions. Algorithms developed to predict the effect of missense changes on protein structure and function (SIFT, PolyPhen-2, Align-GVGD) all suggest that this variant is likely to be tolerated. In summary, the available evidence is currently insufficient to determine the role of this variant in disease. Therefore, it has been classified as a Variant of Uncertain Significance.

NM_001372.4(DNAH9):c.9641C>T (p.Thr3214Ile)

Gene: DNAH9 (dynein axonemal heavy chain 9; plus strand). Cytogenetic location: 17p12.
Variant type: single nucleotide variant.
Coding change: c.9641C>T on transcript NM_001372.4 (MANE Select); coding-DNA position 9641, C replaced by T.
Protein change: p.Thr3214Ile; replaces threonine 3214 with isoleucine.
Molecular consequence: missense variant.
Genome position (GRCh38, 1-based): chr17:11,854,136, C>T. VCF-style: chr17-11854136-C-T. GRCh37 (hg19) VCF-style: chr17-11757453-C-T.
Other names: short protein forms T3214I.
Identifiers: ClinVar variation 1930465 (VCV001930465.5), dbSNP rs2544772046, ClinGen allele CA398191856.